The following is an entry in ClinVar:

NM_000179.3(MSH6):c.101C>A (p.Ala34Asp)

Gene: MSH6 (mutS homolog 6; plus strand). Cytogenetic location: 2p16.3.
Variant type: single nucleotide variant.
Coding change: c.101C>A on transcript NM_000179.3 (MANE Select); coding-DNA position 101, C replaced by A.
Protein change: p.Ala34Asp; replaces alanine 34 with aspartic acid.
Molecular consequence: missense variant. On other transcripts: 5 prime UTR variant (7), non-coding transcript variant (5), intron variant (5).
Genome position (GRCh38, 1-based): chr2:47,783,334, C>A. VCF-style: chr2-47783334-C-A. GRCh37 (hg19) VCF-style: chr2-48010473-C-A.
Other names: c.101C>A, p.Ala34Asp (NM_001281492.2, NM_001406795.1, NM_001406796.1 and 9 more transcripts); c.-636C>A (NM_001281493.2, NM_001406811.1); c.-228C>A (NM_001406799.1); c.46C>A, p.Pro16Thr (NM_001406804.1); c.-828C>A (NM_001406807.1); c.-483C>A (NM_001406812.1); c.-894C>A (NM_001406814.1); c.-439C>A (NM_001406816.1); and 3 more; short protein forms A34D, P16T.
Identifiers: ClinVar variation 2587356 (VCV002587356.2), dbSNP rs746624223, ClinGen allele CA346734834.

ClinVar aggregate classification (germline): Uncertain significance (1 of 4 stars; one submission).

Conditions:
Hereditary cancer-predisposing syndrome. Also called: Tumor predisposition; Hereditary Cancer Syndrome; Hereditary neoplastic syndrome; Neoplastic Syndromes, Hereditary. Identifiers: Orphanet 140162, MedGen C0027672, MeSH D009386, MONDO:0015356.

Submission:

Ambry Genetics
Classification: Uncertain significance for Hereditary cancer-predisposing syndrome. Last evaluated: 2023-08-31. Review status: criteria provided, single submitter. Criteria: Ambry Variant Classification Scheme 2023. Collection method: clinical testing. Allele origin: germline.
Comment: The p.A34D variant (also known as c.101C>A), located in coding exon 1 of the MSH6 gene, results from a C to A substitution at nucleotide position 101. The alanine at codon 34 is replaced by aspartic acid, an amino acid with dissimilar properties. This amino acid position is conserved. In addition, this alteration is predicted to be tolerated by in silico analysis. Since supporting evidence is limited at this time, the clinical significance of this alteration remains unclear.